The following is an entry in ClinVar:

NM_001014987.2(LAT):c.233T>C (p.Leu78Pro)

Gene: LAT (linker for activation of T cells; plus strand). Cytogenetic location: 16p11.2.
Variant type: single nucleotide variant.
Coding change: c.233T>C on transcript NM_001014987.2 (MANE Select); coding-DNA position 233, T replaced by C.
Protein change: p.Leu78Pro; replaces leucine 78 with proline.
Molecular consequence: missense variant.
Genome position (GRCh38, 1-based): chr16:28,986,204, T>C. VCF-style: chr16-28986204-T-C. GRCh37 (hg19) VCF-style: chr16-28997525-T-C.
Other names: c.233T>C, p.Leu78Pro (NM_001014988.2, NM_014387.4); c.341T>C, p.Leu114Pro (NM_001014989.2); c.341T>C (NM_001014989.1); short protein forms L114P, L78P.
Identifiers: ClinVar variation 1341885 (VCV001341885.4), dbSNP rs1342632805, ClinGen allele CA395440274.

ClinVar aggregate classification (germline): Uncertain significance. Review status: criteria provided, multiple submitters, no conflicts (2 of 4 stars). 3 submissions from 3 submitters: Uncertain significance (3). Last evaluated 2024-12-24.

Conditions:
Severe combined immunodeficiency due to LAT deficiency. Also called: Immunodeficiency 52. Identifiers: Orphanet 504523, MedGen C4479588, MONDO:0044721, OMIM 617514.

Allele frequency attached by ClinVar (database versions not stated): gnomAD exomes below 0.00001; gnomAD 0.00001 and 0.00002; TOPMed 0.00004.
gnomAD v4.1: 6 of 1,599,230 alleles (0.00038%); highest among the groups gnomAD compares: Admixed American, 0.0051%; no homozygotes.

Submissions (3):

Ambry Genetics
Classification: Uncertain significance. Last evaluated: 2024-12-24. Review status: criteria provided, single submitter. Criteria: Ambry Variant Classification Scheme 2023. Collection method: clinical testing. Allele origin: germline.

Labcorp Genetics (formerly Invitae), Labcorp
Classification: Uncertain significance. Last evaluated: 2022-03-28. Review status: criteria provided, single submitter. Criteria: Invitae Variant Classification Sherloc (09022015). Collection method: clinical testing. Allele origin: germline.
Comment: This sequence change replaces leucine, which is neutral and non-polar, with proline, which is neutral and non-polar, at codon 78 of the LAT protein (p.Leu78Pro). This variant is present in population databases (no rsID available, gnomAD no frequency). This variant has not been reported in the literature in individuals affected with LAT-related conditions. Algorithms developed to predict the effect of missense changes on protein structure and function (SIFT, PolyPhen-2, Align-GVGD) all suggest that this variant is likely to be disruptive. In summary, the available evidence is currently insufficient to determine the role of this variant in disease. Therefore, it has been classified as a Variant of Uncertain Significance.

New York Genome Center
Classification: Uncertain significance for Severe combined immunodeficiency due to LAT deficiency. Last evaluated: 2021-03-04. Review status: criteria provided, single submitter. Criteria: NYGC Assertion Criteria 2020. Collection method: clinical testing. Allele origin: inherited. Observed: 1 heterozygote. Study: CSER-NYCKidSeq.